The following is an entry in ClinVar:

NM_004646.4(NPHS1):c.2264dup (p.Ser756fs)

Gene: NPHS1 (NPHS1 adhesion molecule, nephrin; minus strand). Cytogenetic location: 19q13.12.
Variant type: Duplication.
Coding change: c.2264dup on transcript NM_004646.4 (MANE Select); coding-DNA position 2264, one base duplicated (G; older notation c.2264dupG).
Protein change: p.Ser756fs; shifts the reading frame from serine 756.
Molecular consequence: frameshift variant.
Genome position (GRCh38, 1-based): chr19:35,843,542, C duplicated on the plus strand (G on the coding strand, the reverse complement: NPHS1 is on the minus strand); the first of 5 consecutive C bases (chr19:35,843,542-35,843,546); duplicating any one gives the same sequence. VCF-style (leftmost placement, unchanged base first): chr19-35843541-A-AC. GRCh37 (hg19) VCF-style: chr19-36334443-A-AC.
Other names: short protein forms S756fs.
Identifiers: ClinVar variation 5011884 (VCV005011884.1).
Genomic context (GRCh38, chr19:35,843,541, plus strand): 5'-CCAGTTGAACATGCCCGGGAGGATGGGATTGGCATCGACAGTGCAGACTATGTCCACAGA[A>AC]CCCCCGACGTTCACCTCAGTGGGGTCCTGGAGGGCACGGATGGTGGGAGCATCTGGTGGA-3'

ClinVar aggregate classification (germline): Pathogenic (1 of 4 stars; one submission).

Conditions:
Finnish congenital nephrotic syndrome (NPHS1). Also called: NEPHROTIC SYNDROME, TYPE 1. Identifiers: Orphanet 839, MedGen C0403399, MONDO:0009732, OMIM 256300.

Submission:

Myriad Genetics, Inc.
Classification: Pathogenic for Finnish congenital nephrotic syndrome. Last evaluated: 2023-09-27. Review status: criteria provided, single submitter. Criteria: Myriad Autosomal Dominant, Autosomal Recessive and X-Linked Classification Criteria (2023). Collection method: clinical testing. Allele origin: unknown.
Comment: NM_004646.3(NPHS1):c.2264dupG(S756Ffs*27) is expected to be pathogenic in the context of nephrotic syndrome, NPHS1-related. This variant is predicted to lead to an abnormal or absent protein product due to the creation of a premature termination codon in NPHS1, a gene where loss-of-function variants are known to be pathogenic. Please note: this variant was assessed in the context of healthy population screening.